The following is an entry in ClinVar:

ClinVar aggregate classification (germline): Pathogenic (1 of 4 stars; one submission).

Conditions:
Pelizaeus-Merzbacher disease. Also called: Pelizaeus-Merzbacher spectrum disorder; Pelizaeus-Merzbacher Disease (PMD); Sudanophilic leukodystrophy; Pelizeaus-Merzbacher spectrum disorder; LEUKODYSTROPHY, HYPOMYELINATING, 1. Identifiers: Orphanet 702, MedGen C0205711, MONDO:0010714, OMIM 312080, HP:0003269.

Submission:

Women's Health and Genetics/Laboratory Corporation of America, LabCorp
Classification: Pathogenic for Pelizaeus-Merzbacher disease. Last evaluated: 2025-09-22. Review status: criteria provided, single submitter. Criteria: LabCorp Variant Classification Summary - May 2015. Collection method: clinical testing. Allele origin: germline.
Comment: Variant summary: The variant involves the duplication of exons 1-7 in the PLP1 gene. A presumed nomenclature of c.(?_-157)_(*2023_?)dup has been designated for the purposes of this classification. This duplication includes the entire coding sequence of the gene. As exact breakpoints are unknown, it may extend beyond the annotated region of the gene, to include other flanking genes. The variant was absent in 16120 control chromosomes. Duplications of the entire PLP1 gene have been observed in multiple individuals affected with Pelizaeus-Merzbacher disease (e.g. Inoue_1996, Martinez-Montero_2013). The following publications have been ascertained in the context of this evaluation (PMID: 8659540, 23347225). These data indicate that the variant is very likely to be associated with disease. ClinVar contains an entry for this variant (Variation ID: 1068867). Based on the evidence outlined above, the variant was classified as pathogenic.

Literature cited by the submitters: PubMed 23347225; PubMed 8659540.

NC_000023.10:g.(?_103031767)_(103047549_?)dup

Gene: PLP1 (proteolipid protein 1; plus strand). Cytogenetic location: Xq22.2.
Variant type: Duplication.
Identifiers: ClinVar variation 4536077 (VCV004536077.1).